The following is an entry in ClinVar:

NM_000083.3(CLCN1):c.2234A>G (p.Asn745Ser)

Gene: CLCN1 (chloride voltage-gated channel 1; plus strand). Cytogenetic location: 7q34.
Variant type: single nucleotide variant.
Coding change: c.2234A>G on transcript NM_000083.3 (MANE Select); coding-DNA position 2234, A replaced by G.
Protein change: p.Asn745Ser; replaces asparagine 745 with serine.
Molecular consequence: missense variant. On other transcripts: non-coding transcript variant (1).
Genome position (GRCh38, 1-based): chr7:143,346,201, A>G. VCF-style: chr7-143346201-A-G. GRCh37 (hg19) VCF-style: chr7-143043294-A-G.
Other names: short protein forms N745S.
Identifiers: ClinVar variation 447060 (VCV000447060.23), dbSNP rs144612641, ClinGen allele CA4537596.

ClinVar aggregate classification (germline): Conflicting classifications of pathogenicity. Review status: criteria provided, conflicting classifications (1 of 4 stars). 5 submissions from 5 submitters: Uncertain significance (3); Likely benign (2). Last evaluated 2026-02-02.

Conditions:
Congenital myotonia, autosomal recessive form. Also called: myotonia congenita, autosomal recessive; BECKER DISEASE; Becker Generalized Myotonia. Identifiers: Orphanet 614, MedGen C0751360, MONDO:0009715, OMIM 255700.
Congenital myotonia, autosomal dominant form (THD). Also called: THOMSEN DISEASE; Myotonia congenita autosomal dominant. Identifiers: Orphanet 614, MedGen C2936781, MONDO:0008055, OMIM 160800.
Batten-Turner congenital myopathy. Also called: Congenital myotonia; Myotonia congenita. Identifiers: Orphanet 206973, MedGen C0027127, MONDO:0100468, OMIM 255300.

Allele frequency attached by ClinVar (database versions not stated): 1000 Genomes Project 30x 0.00031; ExAC 0.00031; ESP Exome Variant Server 0.00038; gnomAD exomes 0.00043 and 0.00057; gnomAD 0.00054; TOPMed 0.00055.
gnomAD v4.1: 902 of 1,613,850 alleles (0.056%); highest among the groups gnomAD compares: African/African-American, 0.064%; no homozygotes.

Submissions (5):

Labcorp Genetics (formerly Invitae), Labcorp
Classification: Likely benign for Congenital myotonia, autosomal recessive form; Congenital myotonia, autosomal dominant form. Last evaluated: 2026-02-02. Review status: criteria provided, single submitter. Criteria: Invitae Variant Classification Sherloc (09022015). Collection method: clinical testing. Allele origin: germline.

GeneDx
Classification: Uncertain significance. Last evaluated: 2025-02-23. Review status: criteria provided, single submitter. Criteria: GeneDx Variant Classification Process June 2021. Collection method: clinical testing. Allele origin: germline. Affected: yes.
Comment: In silico analysis indicates that this missense variant does not alter protein structure/function; Has not been previously published as pathogenic or benign to our knowledge

Revvity Omics, Revvity
Classification: Uncertain significance. Last evaluated: 2023-06-30. Review status: criteria provided, single submitter. Criteria: ACMG Guidelines, 2015. Collection method: clinical testing. Allele origin: germline.

Athena Diagnostics
Classification: Uncertain significance. Last evaluated: 2018-12-27. Review status: criteria provided, single submitter. Criteria: Athena Diagnostics Criteria. Collection method: clinical testing. Allele origin: germline.

Illumina Laboratory Services, Illumina
Classification: Likely benign for Myotonia congenita. Last evaluated: 2018-01-13. Review status: criteria provided, single submitter. Criteria: ICSL Variant Classification Criteria 13 December 2019. Collection method: clinical testing. Allele origin: germline.
Comment: This variant was observed in the ICSL laboratory as part of a predisposition screen in an ostensibly healthy population. It had not been previously curated by ICSL or reported in the Human Gene Mutation Database (HGMD: prior to June 1st, 2018), and was therefore a candidate for classification through an automated scoring system. Utilizing variant allele frequency, disease prevalence and penetrance estimates, and inheritance mode, an automated score was calculated to assess if this variant is too frequent to cause the disease. Based on the score and internal cut-off values, a variant classified as likely benign is not then subjected to further curation. The score for this variant resulted in a classification of likely benign for this disease.